The following is an entry in ClinVar:

ClinVar aggregate classification (germline): Uncertain significance (1 of 4 stars; one submission).

Conditions:
Infantile-onset ascending hereditary spastic paralysis (IAHSP). Also called: Autosomal Recessive Juvenile Amyotrophic Lateral Sclerosis; Infantile-Onset Ascending Hereditary Spastic Paralysis (IAHSP). Identifiers: Orphanet 293168, MedGen C2931441, MONDO:0011797, OMIM 607225. Disease mechanism: loss of function.

Submission:

Labcorp Genetics (formerly Invitae), Labcorp
Classification: Uncertain significance for Infantile-onset ascending hereditary spastic paralysis. Last evaluated: 2021-12-06. Review status: criteria provided, single submitter. Criteria: Invitae Variant Classification Sherloc (09022015). Collection method: clinical testing. Allele origin: germline.
Comment: This sequence change replaces serine, which is neutral and polar, with glycine, which is neutral and non-polar, at codon 768 of the ALS2 protein (p.Ser768Gly). This variant is not present in population databases (gnomAD no frequency). This variant has not been reported in the literature in individuals affected with ALS2-related conditions. Algorithms developed to predict the effect of missense changes on protein structure and function (SIFT, PolyPhen-2, Align-GVGD) all suggest that this variant is likely to be tolerated. In summary, the available evidence is currently insufficient to determine the role of this variant in disease. Therefore, it has been classified as a Variant of Uncertain Significance.

NM_020919.4(ALS2):c.2302A>G (p.Ser768Gly)

Gene: ALS2 (alsin Rho guanine nucleotide exchange factor ALS2; minus strand). Cytogenetic location: 2q33.1.
Variant type: single nucleotide variant.
Coding change: c.2302A>G on transcript NM_020919.4 (MANE Select); coding-DNA position 2302, A replaced by G.
Protein change: p.Ser768Gly; replaces serine 768 with glycine.
Molecular consequence: missense variant.
Genome position (GRCh38, 1-based): chr2:201,741,723, T>C on the plus strand (A>G on the coding strand, the complement: ALS2 is on the minus strand). VCF-style: chr2-201741723-T-C. GRCh37 (hg19) VCF-style: chr2-202606446-T-C.
Other names: short protein forms S768G.
Identifiers: ClinVar variation 1396481 (VCV001396481.6), dbSNP rs2106044167, ClinGen allele CA350324584.